The following is an entry in ClinVar:

NM_001287491.2(TET3):c.4042G>A (p.Asp1348Asn)

Gene: TET3 (tet methylcytosine dioxygenase 3; plus strand). Cytogenetic location: 2p13.1.
Variant type: single nucleotide variant.
Coding change: c.4042G>A on transcript NM_001287491.2 (MANE Select); coding-DNA position 4042, G replaced by A.
Protein change: p.Asp1348Asn; replaces aspartic acid 1348 with asparagine.
Molecular consequence: missense variant.
Genome position (GRCh38, 1-based): chr2:74,100,830, G>A. VCF-style: chr2-74100830-G-A. GRCh37 (hg19) VCF-style: chr2-74327957-G-A.
Other names: c.3763G>A, p.Asp1255Asn (NM_001366022.1); short protein forms D1255N, D1348N.
Identifiers: ClinVar variation 3376802 (VCV003376802.1).
Genomic context (GRCh38, chr2:74,100,830, plus strand): 5'-CTGAGCCCGGCCTACGGTGGTGCTGAGTTTGCCGAGCTGCCCAGCCAGGCTGTTCCCACA[G>A]ACGCCCACCACCCCACTCCTCACCACCAGCAGCCTGCGTACCCAGGCCCCAAGGAGTATC-3'
Protein context (NP_001274420.1, residues 1338-1358): AELPSQAVPT[Asp1348Asn]AHHPTPHHQQ

ClinVar aggregate classification (germline): Uncertain significance (1 of 4 stars; one submission).

Conditions:
Beck-Fahrner syndrome (BEFAHRS). Identifiers: Orphanet 684216, MedGen C5394097, MONDO:0032922, OMIM 618798.

Submission:

Victorian Clinical Genetics Services, Murdoch Childrens Research Institute
Classification: Uncertain significance for Beck-Fahrner syndrome. Last evaluated: 2023-07-17. Review status: criteria provided, single submitter. Criteria: ACMG Guidelines, 2015. Collection method: clinical testing. Allele origin: germline. Inheritance: Autosomal dominant inheritance. Affected: yes.
Comment: Based on the classification scheme VCGS_Germline_v1.3.4, this variant is classified as VUS- 3B. Following criteria are met: 0102 - Loss of function is a known mechanism of disease in this gene and is associated with Beck-Fahrner syndrome (MIM#618798). While biallelic missense variants have been functionally proven to be hypomorphic, dominant-negative could not be excluded as the mechanism for monoallelic variants (PMID: 31928709). (I) 0108 - This gene is associated with both recessive and dominant disease. There is currently no established genotype-phenotype correlation, however, null variants have only been reported in autosomal dominant families. It has also been noted that both monoallelic and biallelic probands are phenotypically similar (PMID: 31928709, 34719681). (I) 0112 - The condition associated with this gene has incomplete penetrance. In a biallelic family, carrier parents were reported to be clinically healthy (PMID: 34719681). (I) 0200 - Variant is predicted to result in a missense amino acid change from aspartic acid to asparagine. (I) 0251 - This variant is heterozygous. (I) 0301 - Variant is absent from gnomAD (both v2 and v3). (SP) 0309 - An alternative amino acid change at the same position has been observed in gnomAD (v2) (1 heterozygote, 0 homozygotes). (I) 0502 - Missense variant with conflicting in silico predictions and uninformative conservation. (I) 0600 - Variant is located in the annotated oxygenase domain of the 2OGFeDO superfamily (DECIPHER). (I) 0705 - No comparable missense variants have previous evidence for pathogenicity. (I) 0807 - This variant has no previous evidence of pathogenicity. (I) 0905 - No published segregation evidence has been identified for this variant. (I) 1007 - No published functional evidence has been identified for this variant. (I) 1208 - Inheritance information for this variant is not currently available in this individual. (I) Legend: (SP) - Supporting pathogenic, (I) - Information, (SB) - Supporting benign

Literature cited by the submitters: PubMed 31928709; PubMed 34719681.